The following is an entry in ClinVar:

NM_000038.6(APC):c.6453del (p.Pro2152fs)

Gene: APC (APC regulator of Wnt signaling pathway; plus strand). Cytogenetic location: 5q22.2.
Variant type: Deletion.
Coding change: c.6453del on transcript NM_000038.6 (MANE Select); coding-DNA position 6453, one base deleted (A; older notation c.6453delA).
Protein change: p.Pro2152fs; shifts the reading frame from proline 2152.
Molecular consequence: frameshift variant. On other transcripts: non-coding transcript variant (2).
Genome position (GRCh38, 1-based): chr5:112,842,047, A deleted. VCF-style (leftmost placement, unchanged base first): chr5-112842046-CA-C. GRCh37 (hg19) VCF-style: chr5-112177743-CA-C.
Other names: c.6453del, p.Pro2152fs (NM_001127510.3, NM_001354895.2, NM_001407450.1); c.6399del, p.Pro2134fs (NM_001127511.3); c.6507del, p.Pro2170fs (NM_001354896.2, NM_001407447.1, NM_001407448.1 and 1 more transcripts); c.6483del, p.Pro2162fs (NM_001354897.2); c.6378del, p.Pro2127fs (NM_001354898.2); c.6369del, p.Pro2124fs (NM_001354899.2); c.6330del, p.Pro2111fs (NM_001354900.2); c.6276del, p.Pro2093fs (NM_001354901.2, NM_001407453.1); and 11 more; short protein forms P1768fs, P1869fs, P1992fs, P2023fs, P2026fs, P2051fs, P2061fs, P2069fs.
Identifiers: ClinVar variation 3773498 (VCV003773498.1).
Genomic context (GRCh38, chr5:112,842,046, plus strand): 5'-ATTCAGATTCCATCCTTTCCCTGAAATCAGGAATCTCTCTGGGATCACCATTTCATCTTA[CA>C]CCTGATCAAGAAGAAAAACCCTTTACAAGTAATAAAGGCCCACGAATTCTAAAACCAGGG-3'

ClinVar aggregate classification (germline): Pathogenic (1 of 4 stars; one submission).

Conditions:
Familial adenomatous polyposis 1 (FAP1). Also called: POLYPOSIS, ADENOMATOUS INTESTINAL; FAMILIAL ADENOMATOUS POLYPOSIS 1, ATTENUATED. Identifiers: MedGen C2713442, MONDO:0021056, OMIM 175100. Disease mechanism: loss of function.

Submission:

Myriad Genetics, Inc.
Classification: Pathogenic for Familial adenomatous polyposis 1. Last evaluated: 2024-10-02. Review status: criteria provided, single submitter. Criteria: Myriad Autosomal Dominant, Autosomal Recessive and X-Linked Classification Criteria (2023). Collection method: clinical testing. Allele origin: unknown.
Comment: This variant is considered pathogenic. This variant creates a frameshift predicted to result in premature protein truncation.